The following is an entry in ClinVar:

ClinVar aggregate classification (germline): Uncertain significance (1 of 4 stars; one submission).

Conditions:
Severe combined immunodeficiency due to DNA-PKcs deficiency. Also called: Immunodeficiency 26 with or without neurologic abnormalities; IMMUNODEFICIENCY 26 WITH NEUROLOGIC ABNORMALITIES. Identifiers: Orphanet 317425, MedGen C4014833, MONDO:0014423, OMIM 615966.

Allele frequency attached by ClinVar (database versions not stated): gnomAD exomes below 0.00001.
gnomAD v4.1: 1 of 1,613,784 alleles (0.000062%); highest among the groups gnomAD compares: South Asian, 0.0011%; no homozygotes.

Submission:

Labcorp Genetics (formerly Invitae), Labcorp
Classification: Uncertain significance for Severe combined immunodeficiency due to DNA-PKcs deficiency. Last evaluated: 2019-08-07. Review status: criteria provided, single submitter. Criteria: Invitae Variant Classification Sherloc (09022015). Collection method: clinical testing. Allele origin: germline.
Comment: In summary, the available evidence is currently insufficient to determine the role of this variant in disease. Therefore, it has been classified as a Variant of Uncertain Significance. Algorithms developed to predict the effect of missense changes on protein structure and function output the following: SIFT: "Tolerated"; PolyPhen-2: "Benign"; Align-GVGD: "Class C0". The serine amino acid residue is found in multiple mammalian species, suggesting that this missense change does not adversely affect protein function. These predictions have not been confirmed by published functional studies and their clinical significance is uncertain. This sequence change replaces asparagine with serine at codon 3311 of the PRKDC protein (p.Asn3311Ser). The asparagine residue is weakly conserved and there is a small physicochemical difference between asparagine and serine. This variant is not present in population databases (ExAC no frequency). This variant has not been reported in the literature in individuals with PRKDC-related conditions.

NM_006904.7(PRKDC):c.9932A>G (p.Asn3311Ser)

Gene: PRKDC (protein kinase, DNA-activated, catalytic subunit; minus strand). Cytogenetic location: 8q11.21.
Variant type: single nucleotide variant.
Coding change: c.9932A>G on transcript NM_006904.7 (MANE Select); coding-DNA position 9932, A replaced by G.
Protein change: p.Asn3311Ser; replaces asparagine 3311 with serine.
Molecular consequence: missense variant.
Genome position (GRCh38, 1-based): chr8:47,800,977, T>C on the plus strand (A>G on the coding strand, the complement: PRKDC is on the minus strand). VCF-style: chr8-47800977-T-C. GRCh37 (hg19) VCF-style: chr8-48713538-T-C.
Other names: c.9932A>G, p.Asn3311Ser (NM_001081640.2); short protein forms N3311S.
Identifiers: ClinVar variation 946351 (VCV000946351.5), dbSNP rs2087095377, ClinGen allele CA371135949.